The following is an entry in ClinVar:

ClinVar aggregate classification (germline): Likely benign (1 of 4 stars; one submission).

Allele frequency attached by ClinVar (database versions not stated): ExAC 0.00001; gnomAD 0.00001; gnomAD exomes 0.00001.
gnomAD v4.1: 12 of 1,606,586 alleles (0.00075%); highest among the groups gnomAD compares: South Asian, 0.0044%; no homozygotes.

Submission:

CeGaT Center for Human Genetics Tuebingen
Classification: Likely benign. Last evaluated: 2024-06-01. Review status: criteria provided, single submitter. Criteria: CeGaT Center For Human Genetics Tuebingen Variant Classification Criteria Version 2. Collection method: clinical testing. Allele origin: germline. Affected: yes. Observed: 1 variant allele.
Comment: KMT2B: BP4, BP7

NM_014727.3(KMT2B):c.4284A>G (p.Pro1428=)

Gene: KMT2B (lysine methyltransferase 2B; plus strand). Cytogenetic location: 19q13.12.
Variant type: single nucleotide variant.
Coding change: c.4284A>G on transcript NM_014727.3 (MANE Select); coding-DNA position 4284, A replaced by G.
Protein change: p.Pro1428=; no amino-acid change (proline 1428 retained).
Molecular consequence: synonymous variant.
Genome position (GRCh38, 1-based): chr19:35,727,604, A>G. VCF-style: chr19-35727604-A-G. GRCh37 (hg19) VCF-style: chr19-36218505-A-G.
Identifiers: ClinVar variation 3250862 (VCV003250862.18), dbSNP rs755498614.